The following is an entry in ClinVar:

NM_001278512.2(AP3B2):c.2833+3G>A

Genes: AP3B2 (adaptor related protein complex 3 subunit beta 2; minus strand), CPEB1-AS1 (CPEB1 antisense RNA 1; plus strand). Cytogenetic location: 15q25.2.
Variant type: single nucleotide variant.
Coding change: c.2833+3G>A on transcript NM_001278512.2 (MANE Select); 3 bases into the intron after coding-DNA position 2833, G replaced by A.
Molecular consequence: intron variant.
Genome position (GRCh38, 1-based): chr15:82,662,691, C>T on the plus strand (G>A on the coding strand, the complement: AP3B2 is on the minus strand). VCF-style: chr15-82662691-C-T. GRCh37 (hg19) VCF-style: chr15-83331443-C-T.
Other names: c.2680+3G>A (NM_001278511.2); c.2776+3G>A (NM_004644.5).
Identifiers: ClinVar variation 1913246 (VCV001913246.3), dbSNP rs761159539, ClinGen allele CA7699791.

ClinVar aggregate classification (germline): Uncertain significance (1 of 4 stars; one submission).

Allele frequency attached by ClinVar (database versions not stated): ExAC 0.00001; gnomAD exomes 0.00001; TOPMed 0.00002.
gnomAD v4.1: 26 of 1,610,724 alleles (0.0016%); highest among the groups gnomAD compares: Non-Finnish European, 0.002%; no homozygotes.

Submission:

Labcorp Genetics (formerly Invitae), Labcorp
Classification: Uncertain significance. Last evaluated: 2022-06-04. Review status: criteria provided, single submitter. Criteria: Invitae Variant Classification Sherloc (09022015). Collection method: clinical testing. Allele origin: germline.
Comment: In summary, the available evidence is currently insufficient to determine the role of this variant in disease. Therefore, it has been classified as a Variant of Uncertain Significance. Variants that disrupt the consensus splice site are a relatively common cause of aberrant splicing (PMID: 17576681, 9536098). Algorithms developed to predict the effect of sequence changes on RNA splicing suggest that this variant is not likely to affect RNA splicing. This variant has not been reported in the literature in individuals affected with AP3B2-related conditions. This variant is present in population databases (rs761159539, gnomAD 0.003%). This sequence change falls in intron 22 of the AP3B2 gene. It does not directly change the encoded amino acid sequence of the AP3B2 protein. It affects a nucleotide within the consensus splice site.

Literature cited by the submitters: PubMed 17576681; PubMed 9536098.